The following is an entry in ClinVar:

NC_000003.11:g.(?_189604163)_(189604360_?)del

Gene: TP63 (tumor protein p63; plus strand). Cytogenetic location: 3q28.
Variant type: Deletion.
Identifiers: ClinVar variation 3246950 (VCV003246950.1).

ClinVar aggregate classification (germline): Uncertain significance (1 of 4 stars; one submission).

Conditions:
TP63-Related Spectrum Disorders.

Submission:

Labcorp Genetics (formerly Invitae), Labcorp
Classification: Uncertain significance. Last evaluated: 2023-05-10. Review status: criteria provided, single submitter. Criteria: Invitae Variant Classification Sherloc (09022015). Collection method: clinical testing. Allele origin: unknown.
Comment: In summary, the available evidence is currently insufficient to determine the role of this variant in disease. Therefore, it has been classified as a Variant of Uncertain Significance. This variant has not been reported in the literature in individuals affected with TP63-related conditions. This variant is a gross deletion of the genomic region encompassing exon(s) 11 of the TP63 gene. This deletion is out-of-frame, and is expected to create a premature translational stop signal and result in an absent or disrupted protein product. However, the current clinical and genetic evidence is not sufficient to establish whether loss-of-function variants in TP63 cause disease.